The following is an entry in ClinVar:

NM_015474.4(SAMHD1):c.349-1G>A

Gene: SAMHD1 (SAM and HD domain containing deoxynucleoside triphosphate triphosphohydrolase 1; minus strand). Cytogenetic location: 20q11.23.
Variant type: single nucleotide variant.
Coding change: c.349-1G>A on transcript NM_015474.4 (MANE Select); the canonical splice acceptor site of the intron before coding-DNA position 349, G replaced by A.
Molecular consequence: splice acceptor variant.
Genome position (GRCh38, 1-based): chr20:36,935,190, C>T on the plus strand (G>A on the coding strand, the complement: SAMHD1 is on the minus strand). VCF-style: chr20-36935190-C-T. GRCh37 (hg19) VCF-style: chr20-35563593-C-T.
Other names: c.349-1G>A (NM_001363729.2, NM_001363733.2).
Identifiers: ClinVar variation 1482653 (VCV001482653.6), dbSNP rs1251155562, ClinGen allele CA408823465.

ClinVar aggregate classification (germline): Likely pathogenic (1 of 4 stars; one submission).

Conditions:
Aicardi-Goutieres syndrome 5. Identifiers: Orphanet 51, MedGen C2749659, MONDO:0013059, OMIM 612952.

Submission:

Labcorp Genetics (formerly Invitae), Labcorp
Classification: Likely pathogenic for Aicardi-Goutieres syndrome 5. Last evaluated: 2022-04-08. Review status: criteria provided, single submitter. Criteria: Invitae Variant Classification Sherloc (09022015). Collection method: clinical testing. Allele origin: germline.
Comment: Algorithms developed to predict the effect of sequence changes on RNA splicing suggest that this variant may disrupt the consensus splice site. This variant has not been reported in the literature in individuals affected with SAMHD1-related conditions. This variant is not present in population databases (gnomAD no frequency). This sequence change affects an acceptor splice site in intron 3 of the SAMHD1 gene. It is expected to disrupt RNA splicing. Variants that disrupt the donor or acceptor splice site typically lead to a loss of protein function (PMID: 16199547), and loss-of-function variants in SAMHD1 are known to be pathogenic (PMID: 19525956, 22461318). In summary, the currently available evidence indicates that the variant is pathogenic, but additional data are needed to prove that conclusively. Therefore, this variant has been classified as Likely Pathogenic.

Literature cited by the submitters: PubMed 16199547; PubMed 19525956; PubMed 22461318.